The following is an entry in ClinVar:

ClinVar aggregate classification (germline): Uncertain significance (1 of 4 stars; one submission).

Allele frequency attached by ClinVar (database versions not stated): gnomAD exomes below 0.00001.
gnomAD v4.1: 6 of 1,613,980 alleles (0.00037%); highest among the groups gnomAD compares: Non-Finnish European, 0.00051%; no homozygotes.

Submission:

Labcorp Genetics (formerly Invitae), Labcorp
Classification: Uncertain significance. Last evaluated: 2023-10-16. Review status: criteria provided, single submitter. Criteria: Invitae Variant Classification Sherloc (09022015). Collection method: clinical testing. Allele origin: germline.
Comment: This sequence change replaces serine, which is neutral and polar, with phenylalanine, which is neutral and non-polar, at codon 903 of the CYFIP2 protein (p.Ser903Phe). This variant is not present in population databases (gnomAD no frequency). This variant has not been reported in the literature in individuals affected with CYFIP2-related conditions. Experimental studies and prediction algorithms are not available or were not evaluated, and the functional significance of this variant is currently unknown. In summary, the available evidence is currently insufficient to determine the role of this variant in disease. Therefore, it has been classified as a Variant of Uncertain Significance.

NM_001037333.3(CYFIP2):c.2708C>T (p.Ser903Phe)

Gene: CYFIP2 (cytoplasmic FMR1 interacting protein 2; plus strand). Cytogenetic location: 5q33.3.
Variant type: single nucleotide variant.
Coding change: c.2708C>T on transcript NM_001037333.3 (MANE Select); coding-DNA position 2708, C replaced by T.
Protein change: p.Ser903Phe; replaces serine 903 with phenylalanine.
Molecular consequence: missense variant.
Genome position (GRCh38, 1-based): chr5:157,359,039, C>T. VCF-style: chr5-157359039-C-T. GRCh37 (hg19) VCF-style: chr5-156786047-C-T.
Other names: c.2630C>T, p.Ser877Phe (NM_001291721.2); c.2783C>T, p.Ser928Phe (NM_001291722.2); c.2708C>T, p.Ser903Phe (NM_014376.4); short protein forms S928F, S877F, S903F.
Identifiers: ClinVar variation 2802267 (VCV002802267.3), dbSNP rs780090044, ClinGen allele CA130156821.